The following is an entry in ClinVar:

NM_181523.3(PIK3R1):c.634+8T>C

Gene: PIK3R1 (phosphoinositide-3-kinase regulatory subunit 1; plus strand). Cytogenetic location: 5q13.1.
Variant type: single nucleotide variant.
Coding change: c.634+8T>C on transcript NM_181523.3 (MANE Select); 8 bases into the intron after coding-DNA position 634, T replaced by C.
Molecular consequence: intron variant.
Genome position (GRCh38, 1-based): chr5:68,279,741, T>C. VCF-style: chr5-68279741-T-C. GRCh37 (hg19) VCF-style: chr5-67575569-T-C.
Other names: p.?.
Identifiers: ClinVar variation 440069 (VCV000440069.54), dbSNP rs368138177, ClinGen allele CA3290089.

ClinVar aggregate classification (germline): Likely benign. Review status: criteria provided, multiple submitters, no conflicts (2 of 4 stars). 7 submissions from 7 submitters: Likely benign (5). 2 of the submissions do not count toward it. Last evaluated 2026-01-18.

Conditions:
Agammaglobulinemia 7, autosomal recessive (AGM7). Also called: AGAMMAGLOBULINEMIA, AUTOSOMAL RECESSIVE, DUE TO PIK3R1 DEFECT. Identifiers: MedGen C3554689, MONDO:0014083, OMIM 615214.
SHORT syndrome. Also called: PIK3R1-Related SHORT Syndrome; LIPODYSTROPHY, PARTIAL, WITH RIEGER ANOMALY AND SHORT STATURE; SHORT STATURE, HYPEREXTENSIBILITY, HERNIA, OCULAR DEPRESSION, RIEGER ANOMALY, AND TEETHING DELAY. Identifiers: Orphanet 3163, MedGen C0878684, MONDO:0010026, OMIM 269880.
Immunodeficiency 36 with lymphoproliferation. Also called: ACTIVATED PI3K-DELTA SYNDROME 2; Immunodeficiency 36; Activated PI3K Delta Syndrome Type 2 (APDS2). Identifiers: Orphanet 397596, Orphanet 693681, MedGen C4014934, MONDO:0014453, OMIM 616005.

Allele frequency attached by ClinVar (database versions not stated): ExAC 0.00035; TOPMed 0.00036; ESP Exome Variant Server 0.00046.
gnomAD v4.1: 685 of 1,613,922 alleles (0.042%); highest among the groups gnomAD compares: Non-Finnish European, 0.053%; 2 homozygotes.

Submissions (7):

Labcorp Genetics (formerly Invitae), Labcorp
Classification: Likely benign for SHORT syndrome; Immunodeficiency 36 with lymphoproliferation; Agammaglobulinemia 7, autosomal recessive. Last evaluated: 2026-01-18. Review status: criteria provided, single submitter. Criteria: Invitae Variant Classification Sherloc (09022015). Collection method: clinical testing. Allele origin: germline.

CeGaT Center for Human Genetics Tuebingen
Classification: Likely benign. Last evaluated: 2025-09-01. Review status: criteria provided, single submitter. Criteria: CeGaT Center For Human Genetics Tuebingen Variant Classification Criteria Version 2. Collection method: clinical testing. Allele origin: germline. Affected: yes. Observed: 2 variant alleles.
Comment: PIK3R1: BP4, BS2

Mayo Clinic Laboratories, Mayo Clinic
Classification: Likely benign. Last evaluated: 2025-03-31. Review status: criteria provided, single submitter. Criteria: ACMG Guidelines, 2015. Collection method: clinical testing. Allele origin: germline. Observed: 1 variant allele.
Comment: BP4, BP7

Blueprint Genetics
Classification: Likely benign. Last evaluated: 2024-08-27. Review status: criteria provided, single submitter. Criteria: ACMG Guidelines, 2015. Collection method: clinical testing. Allele origin: germline.

ARUP Laboratories, Molecular Genetics and Genomics, ARUP Laboratories
Classification: Likely benign. Last evaluated: 2023-10-19. Review status: criteria provided, single submitter. Criteria: ARUP Molecular Germline Variant Investigation Process 2024. Collection method: clinical testing. Allele origin: germline.

Clinical Genetics DNA and cytogenetics Diagnostics Lab, Erasmus MC, Erasmus Medical Center
Classification: Likely benign. Review status: no assertion criteria provided. Collection method: clinical testing. Allele origin: germline. Affected: yes. Study: VKGL Data-share Consensus. Not counted in ClinVar's aggregate classification.

Genome Diagnostics Laboratory, University Medical Center Utrecht
Classification: Likely benign. Review status: no assertion criteria provided. Collection method: clinical testing. Allele origin: germline. Affected: yes. Study: VKGL Data-share Consensus. Not counted in ClinVar's aggregate classification.